The following is an entry in ClinVar:

NM_025074.7(FRAS1):c.5557T>C (p.Ser1853Pro)

Gene: FRAS1 (Fraser extracellular matrix complex subunit 1; plus strand). Cytogenetic location: 4q21.21.
Variant type: single nucleotide variant.
Coding change: c.5557T>C on transcript NM_025074.7 (MANE Select); coding-DNA position 5557, T replaced by C.
Protein change: p.Ser1853Pro; replaces serine 1853 with proline.
Molecular consequence: missense variant.
Genome position (GRCh38, 1-based): chr4:78,441,189, T>C. VCF-style: chr4-78441189-T-C. GRCh37 (hg19) VCF-style: chr4-79362343-T-C.
Other names: p.Ser1853Pro; c.5557T>C, p.Ser1853Pro (NM_001166133.2); short protein forms S1853P.
Identifiers: ClinVar variation 2682862 (VCV002682862.1), dbSNP rs2477193740, ClinGen allele CA357388736.

ClinVar aggregate classification (germline): Uncertain significance (1 of 4 stars; one submission).

Allele frequency attached by ClinVar (database versions not stated): gnomAD exomes below 0.00001.
gnomAD v4.1: 1 of 1,613,884 alleles (0.000062%); highest among the groups gnomAD compares: Non-Finnish European, 0.000085%; no homozygotes.

Submission:

Mayo Clinic Laboratories, Mayo Clinic
Classification: Uncertain significance. Last evaluated: 2023-02-17. Review status: criteria provided, single submitter. Criteria: ACMG Guidelines, 2015. Collection method: clinical testing. Allele origin: germline. Observed: 1 variant allele.
Comment: BP4, PM2_supporting